The following is an entry in ClinVar:

NM_002087.4(GRN):c.1606G>A (p.Asp536Asn)

Gene: GRN (granulin precursor; plus strand). Cytogenetic location: 17q21.31.
Variant type: single nucleotide variant.
Coding change: c.1606G>A on transcript NM_002087.4 (MANE Select); coding-DNA position 1606, G replaced by A.
Protein change: p.Asp536Asn; replaces aspartic acid 536 with asparagine.
Molecular consequence: missense variant.
Genome position (GRCh38, 1-based): chr17:44,352,533, G>A. VCF-style: chr17-44352533-G-A. GRCh37 (hg19) VCF-style: chr17-42429901-G-A.
Other names: short protein forms D536N.
Identifiers: ClinVar variation 2934133 (VCV002934133.3), dbSNP rs1483113992, ClinGen allele CA399770624.

ClinVar aggregate classification (germline): Uncertain significance (1 of 4 stars; one submission).

Conditions:
GRN-related frontotemporal lobar degeneration with Tdp43 inclusions (FTD2). Also called: DEMENTIA, HEREDITARY DYSPHASIC DISINHIBITION; FRONTOTEMPORAL LOBAR DEGENERATION WITH UBIQUITIN-POSITIVE INCLUSIONS; FTLD-TDP, GRN-RELATED; GRN Frontotemporal Dementia; FRONTOTEMPORAL DEMENTIA WITH TDP43 INCLUSIONS, GRN-RELATED. Identifiers: Orphanet 100070, Orphanet 282, MedGen C1843792, MONDO:0011842, OMIM 607485. Disease mechanism: loss of function.
Neuronal ceroid lipofuscinosis 11. Also called: GRN-Related Neuronal Ceroid-Lipofuscinosis. Identifiers: Orphanet 314629, Orphanet 79262, MedGen C3539123, MONDO:0013866, OMIM 614706.

Allele frequency attached by ClinVar (database versions not stated): gnomAD exomes below 0.00001.

Submission:

Labcorp Genetics (formerly Invitae), Labcorp
Classification: Uncertain significance for Neuronal ceroid lipofuscinosis 11; GRN-related frontotemporal lobar degeneration with Tdp43 inclusions. Last evaluated: 2023-12-07. Review status: criteria provided, single submitter. Criteria: Invitae Variant Classification Sherloc (09022015). Collection method: clinical testing. Allele origin: germline.
Comment: This sequence change replaces aspartic acid, which is acidic and polar, with asparagine, which is neutral and polar, at codon 536 of the GRN protein (p.Asp536Asn). This variant is present in population databases (no rsID available, gnomAD 0.003%). This variant has not been reported in the literature in individuals affected with GRN-related conditions. Advanced modeling of protein sequence and biophysical properties (such as structural, functional, and spatial information, amino acid conservation, physicochemical variation, residue mobility, and thermodynamic stability) performed at Invitae indicates that this missense variant is not expected to disrupt GRN protein function with a negative predictive value of 80%. In summary, the available evidence is currently insufficient to determine the role of this variant in disease. Therefore, it has been classified as a Variant of Uncertain Significance.